The following is an entry in ClinVar:

ClinVar aggregate classification (germline): Uncertain significance. Review status: criteria provided, multiple submitters, no conflicts (2 of 4 stars). 11 submissions from 7 submitters: Uncertain significance (9). 2 of the submissions do not count toward it. Last evaluated 2023-10-13.

Conditions:
Meckel-Gruber syndrome. Also called: DYSENCEPHALIA SPLANCHNOCYSTICA; GRUBER SYNDROME; Dysencephalia splachnocystica. Identifiers: Orphanet 564, MedGen C0265215, MONDO:0018921.
Nephronophthisis. Also called: Juvenile Nephronophthisis. Identifiers: Orphanet 655, MedGen C0687120, MONDO:0019005, HP:0000090.
Joubert syndrome. Also called: CEREBELLOPARENCHYMAL DISORDER IV; JOUBERT-BOLTSHAUSER SYNDROME; Familial aplasia of the vermis. Identifiers: Orphanet 475, MedGen C5979921, MONDO:0018772.
Retinal dystrophy. Also called: Inherited retinal dystrophy. Identifiers: Orphanet 71862, MedGen C0854723, MeSH D058499, MONDO:0019118, HP:0000556.
Senior-Loken syndrome 6 (SLSN6). Identifiers: Orphanet 3156, MedGen C1857779, MONDO:0012433, OMIM 610189.
Leber congenital amaurosis 10 (LCA10). Identifiers: Orphanet 65, MedGen C1857821, MONDO:0012723, OMIM 611755.
Meckel syndrome, type 4 (MKS4). Also called: MECKEL-GRUBER SYNDROME, TYPE 4. Identifiers: Orphanet 564, MedGen C1970161, MONDO:0012626, OMIM 611134.
Joubert syndrome 5 (JBTS5). Identifiers: Orphanet 2318, MedGen C1857780, MONDO:0012432, OMIM 610188.
CEP290-related disorder. Also called: CEP290-related condition; CEP290-related disorders. Identifiers: MedGen CN239314.
Inborn genetic diseases. Identifiers: MedGen C0950123, MeSH D030342.
Leber congenital amaurosis (LCA). Also called: Leber's amaurosis. Identifiers: Orphanet 65, MedGen C0339527, MeSH D057130, MONDO:0018998.
Bardet-Biedl syndrome 14 (BBS14). Identifiers: Orphanet 110, MedGen C2673874, MONDO:0014442, OMIM 615991.

Allele frequency attached by ClinVar (database versions not stated): gnomAD 0.00004 and 0.00006; TOPMed 0.00005; ExAC 0.00008; gnomAD exomes 0.00008 and 0.00009; 1000 Genomes Project 30x 0.00016; 1000 Genomes Project 0.00020.
gnomAD v4.1: 130 of 1,612,214 alleles (0.0081%); highest among the groups gnomAD compares: East Asian, 0.25%; 2 homozygotes.

Submissions (11):

Ambry Genetics
Classification: Uncertain significance for Inborn genetic diseases. Last evaluated: 2023-10-13. Review status: criteria provided, single submitter. Criteria: Ambry Variant Classification Scheme 2023. Collection method: clinical testing. Allele origin: germline.

Dept Of Ophthalmology, Nagoya University
Classification: Uncertain significance for Retinal dystrophy. Last evaluated: 2023-10-01. Review status: criteria provided, single submitter. Criteria: Submitter's publication. Collection method: research. Allele origin: germline. Affected: yes.

Labcorp Genetics (formerly Invitae), Labcorp
Classification: Uncertain significance for Joubert syndrome; Meckel-Gruber syndrome; Nephronophthisis. Last evaluated: 2022-10-13. Review status: criteria provided, single submitter. Criteria: Invitae Variant Classification Sherloc (09022015). Collection method: clinical testing. Allele origin: germline.
Comment: This sequence change replaces arginine, which is basic and polar, with glutamine, which is neutral and polar, at codon 1729 of the CEP290 protein (p.Arg1729Gln). This variant is present in population databases (rs535531689, gnomAD 0.1%). This variant has not been reported in the literature in individuals affected with CEP290-related conditions. ClinVar contains an entry for this variant (Variation ID: 883696). Advanced modeling of protein sequence and biophysical properties (such as structural, functional, and spatial information, amino acid conservation, physicochemical variation, residue mobility, and thermodynamic stability) has been performed at Invitae for this missense variant, however the output from this modeling did not meet the statistical confidence thresholds required to predict the impact of this variant on CEP290 protein function. In summary, the available evidence is currently insufficient to determine the role of this variant in disease. Therefore, it has been classified as a Variant of Uncertain Significance.

New York Genome Center
Classification: Uncertain significance for Leber congenital amaurosis 10; Senior-Loken syndrome 6; Meckel syndrome, type 4; Joubert syndrome 5. Last evaluated: 2022-05-25. Review status: criteria provided, single submitter. Criteria: NYGC Assertion Criteria 2020. Collection method: clinical testing. Allele origin: germline. Observed: 1 heterozygote.

Illumina Laboratory Services, Illumina
Classification: Uncertain significance for Joubert syndrome 5. Last evaluated: 2018-01-13. Review status: criteria provided, single submitter. Criteria: ICSL Variant Classification Criteria 13 December 2019. Collection method: clinical testing. Allele origin: germline.

Illumina Laboratory Services, Illumina
Classification: Uncertain significance for Leber congenital amaurosis 10. Last evaluated: 2018-01-13. Review status: criteria provided, single submitter. Criteria: ICSL Variant Classification Criteria 13 December 2019. Collection method: clinical testing. Allele origin: germline.

Illumina Laboratory Services, Illumina
Classification: Uncertain significance for Bardet-Biedl syndrome 14. Last evaluated: 2018-01-13. Review status: criteria provided, single submitter. Criteria: ICSL Variant Classification Criteria 13 December 2019. Collection method: clinical testing. Allele origin: germline.

Illumina Laboratory Services, Illumina
Classification: Uncertain significance for Meckel syndrome, type 4. Last evaluated: 2018-01-13. Review status: criteria provided, single submitter. Criteria: ICSL Variant Classification Criteria 13 December 2019. Collection method: clinical testing. Allele origin: germline.

Illumina Laboratory Services, Illumina
Classification: Uncertain significance for Senior-Loken syndrome 6. Last evaluated: 2018-01-13. Review status: criteria provided, single submitter. Criteria: ICSL Variant Classification Criteria 13 December 2019. Collection method: clinical testing. Allele origin: germline.

PreventionGenetics, part of Exact Sciences
Classification: Uncertain significance for CEP290-related condition. Last evaluated: 2024-09-05. Review status: no assertion criteria provided. Collection method: clinical testing. Allele origin: germline. Not counted in ClinVar's aggregate classification.
Comment: The CEP290 c.5186G>A variant is predicted to result in the amino acid substitution p.Arg1729Gln. To our knowledge, this variant has not been reported in the literature. This variant is reported in 0.093% of alleles in individuals of East Asian descent in gnomAD, which may be too common to be an unreported cause of disease. At this time, the clinical significance of this variant is uncertain due to the absence of conclusive functional and genetic evidence.

Natera, Inc.
Classification: Uncertain significance for Leber congenital amaurosis. Last evaluated: 2020-04-17. Review status: no assertion criteria provided. Collection method: clinical testing. Allele origin: germline. Not counted in ClinVar's aggregate classification.

NM_025114.4(CEP290):c.5186G>A (p.Arg1729Gln)

Gene: CEP290 (centrosomal protein 290; minus strand). Cytogenetic location: 12q21.32.
Variant type: single nucleotide variant.
Coding change: c.5186G>A on transcript NM_025114.4 (MANE Select); coding-DNA position 5186, G replaced by A.
Protein change: p.Arg1729Gln; replaces arginine 1729 with glutamine.
Molecular consequence: missense variant.
Genome position (GRCh38, 1-based): chr12:88,080,222, C>T on the plus strand (G>A on the coding strand, the complement: CEP290 is on the minus strand). VCF-style: chr12-88080222-C-T. GRCh37 (hg19) VCF-style: chr12-88473999-C-T.
Other names: short protein forms R1729Q.
Identifiers: ClinVar variation 883696 (VCV000883696.12), dbSNP rs535531689, ClinGen allele CA6711780.